The following is an entry in ClinVar:

ClinVar aggregate classification (germline): Uncertain significance (1 of 4 stars; one submission).

Submission:

Labcorp Genetics (formerly Invitae), Labcorp
Classification: Uncertain significance. Last evaluated: 2021-01-01. Review status: criteria provided, single submitter. Criteria: Invitae Variant Classification Sherloc (09022015). Collection method: clinical testing. Allele origin: germline.
Comment: This variant is not present in population databases (ExAC no frequency). In summary, the available evidence is currently insufficient to determine the role of this variant in disease. Therefore, it has been classified as a Variant of Uncertain Significance. This variant has not been reported in the literature in individuals with POLE-related conditions. Nucleotide substitutions within the consensus splice site are a relatively common cause of aberrant splicing (PMID: 17576681, 9536098). Algorithms developed to predict the effect of sequence changes on RNA splicing suggest that this variant may disrupt the consensus splice site, but this prediction has not been confirmed by published transcriptional studies. This sequence change falls in intron 29 of the POLE gene. It does not directly change the encoded amino acid sequence of the POLE protein. It affects a nucleotide within the consensus splice site of the intron.

Literature cited by the submitters: PubMed 17576681; PubMed 9536098.

NM_006231.4(POLE):c.3582+2dup

Gene: POLE (DNA polymerase epsilon, catalytic subunit; minus strand). Cytogenetic location: 12q24.33.
Variant type: Duplication.
Coding change: c.3582+2dup on transcript NM_006231.4 (MANE Select); the canonical splice donor site of the intron after coding-DNA position 3582, one base duplicated (T; older notation c.3582+2dupT).
Molecular consequence: splice donor variant.
Genome position (GRCh38, 1-based): chr12:132,657,134, A duplicated on the plus strand (T on the coding strand, the reverse complement: POLE is on the minus strand). VCF-style (leftmost placement, unchanged base first): chr12-132657133-C-CA. GRCh37 (hg19) VCF-style: chr12-133233719-C-CA.
Identifiers: ClinVar variation 1513832 (VCV001513832.6), dbSNP rs2138655926, ClinGen allele CA2573148194.
Genomic context (GRCh38, chr12:132,657,133, plus strand): 5'-AAGCCTGGAGTCCTGTGTGTCACAAGGATCCCGCCCAGCCCAGCCTTGGGGCCCCACCGT[C>CA]ACCTGTCTCCTGCCCTCCAGGGTGAAGAGCTCACTGATCTTCTTCTGCTTGTAGACATCA-3'